The following is an entry in ClinVar:

ClinVar aggregate classification (germline): Pathogenic. Review status: criteria provided, multiple submitters, no conflicts (2 of 4 stars). 3 submissions from 3 submitters: Pathogenic (3). Last evaluated 2025-03-10.

Conditions:
Retinal dystrophy. Also called: Inherited retinal dystrophy. Identifiers: Orphanet 71862, MedGen C0854723, MeSH D058499, MONDO:0019118, HP:0000556.
IMPG2-related disorders.

Submissions (3):

Labcorp Genetics (formerly Invitae), Labcorp
Classification: Pathogenic. Last evaluated: 2025-03-10. Review status: criteria provided, single submitter. Criteria: Invitae Variant Classification Sherloc (09022015). Collection method: clinical testing. Allele origin: germline.
Comment: This sequence change creates a premature translational stop signal (p.Ser527Leufs*28) in the IMPG2 gene. It is expected to result in an absent or disrupted protein product. Loss-of-function variants in IMPG2 are known to be pathogenic (PMID: 20673862). This variant is not present in population databases (gnomAD no frequency). This variant has not been reported in the literature in individuals affected with IMPG2-related conditions. ClinVar contains an entry for this variant (Variation ID: 631902). For these reasons, this variant has been classified as Pathogenic.

Blueprint Genetics
Classification: Pathogenic for IMPG2-related disorders. Last evaluated: 2022-09-28. Review status: criteria provided, single submitter. Criteria: ACMG Guidelines, 2015. Collection method: clinical testing. Allele origin: germline. Affected: yes. Observed: 4 variant alleles.

Institute of Human Genetics, Univ. Regensburg, Univ. Regensburg
Classification: Pathogenic for Retinal dystrophy. Last evaluated: 2019-01-01. Review status: criteria provided, single submitter. Criteria: ACMG Guidelines, 2015. Collection method: clinical testing. Allele origin: germline. Affected: yes.

Literature cited by the submitters: PubMed 20673862 (cited by Labcorp Genetics (formerly Invitae), Labcorp); PubMed 36460718 (cited by Institute of Human Genetics, Univ. Regensburg, Univ. Regensburg).

NM_016247.4(IMPG2):c.1578_1581del (p.Ser527fs)

Gene: IMPG2 (interphotoreceptor matrix proteoglycan 2; minus strand). Cytogenetic location: 3q12.3.
Variant type: Microsatellite.
Coding change: c.1578_1581del on transcript NM_016247.4 (MANE Select); coding-DNA positions 1578 to 1581, 4 bases deleted (TTCT; older notation c.1578_1581delTTCT).
Protein change: p.Ser527fs; shifts the reading frame from serine 527.
Molecular consequence: frameshift variant.
Genome position (GRCh38, 1-based): chr3:101,244,750-101,244,753, AGAA deleted on the plus strand (TTCT on the coding strand, the reverse complement: IMPG2 is on the minus strand); deleting any 4 consecutive bases within chr3:101,244,750-101,244,758 gives the same sequence; the c. name uses the placement nearest the transcript's 3' end. VCF-style (leftmost placement, unchanged base first): chr3-101244749-TAGAA-T. GRCh37 (hg19) VCF-style: chr3-100963593-TAGAA-T.
Other names: short protein forms S527fs.
Identifiers: ClinVar variation 631902 (VCV000631902.14), dbSNP rs1559643320, ClinGen allele CA913189569.